The following is an entry in ClinVar:

ClinVar aggregate classification (germline): Pathogenic (1 of 4 stars; one submission).

Submission:

Labcorp Genetics (formerly Invitae), Labcorp
Classification: Pathogenic. Last evaluated: 2023-09-10. Review status: criteria provided, single submitter. Criteria: Invitae Variant Classification Sherloc (09022015). Collection method: clinical testing. Allele origin: germline.
Comment: For these reasons, this variant has been classified as Pathogenic. This variant has not been reported in the literature in individuals affected with SLC12A1-related conditions. This variant is not present in population databases (gnomAD no frequency). This sequence change creates a premature translational stop signal (p.Ala627Glnfs*16) in the SLC12A1 gene. It is expected to result in an absent or disrupted protein product. Loss-of-function variants in SLC12A1 are known to be pathogenic (PMID: 8640224, 9585600, 19096086).

Literature cited by the submitters: PubMed 8640224; PubMed 9585600; PubMed 19096086.

NM_000338.3(SLC12A1):c.1879del (p.Ala627fs)

Genes: SLC12A1 (solute carrier family 12 member 1; plus strand), LOC126862123 (CDK7 strongly-dependent group 2 enhancer GRCh37_chr15:48543423-48544622; plus strand). Cytogenetic location: 15q21.1.
Variant type: Deletion.
Coding change: c.1879del on transcript NM_000338.3 (MANE Select); coding-DNA position 1879, one base deleted (G; older notation c.1879delG).
Protein change: p.Ala627fs; shifts the reading frame from alanine 627.
Molecular consequence: frameshift variant.
Genome position (GRCh38, 1-based): chr15:48,251,707, G deleted; the last of 3 consecutive G bases (chr15:48,251,705-48,251,707); deleting any one gives the same sequence. VCF-style (leftmost placement, unchanged base first): chr15-48251704-TG-T. GRCh37 (hg19) VCF-style: chr15-48543901-TG-T.
Other names: c.1879del, p.Ala627fs (NM_001184832.2, NM_001384136.1); short protein forms A627fs.
Identifiers: ClinVar variation 2759539 (VCV002759539.4), dbSNP rs1295566242, ClinGen allele CA713391018.